The following is an entry in ClinVar:

ClinVar aggregate classification (germline): Uncertain significance. Review status: criteria provided, multiple submitters, no conflicts (2 of 4 stars). 2 submissions from 2 submitters: Uncertain significance (2). Last evaluated 2024-03-28.

Conditions:
Autosomal dominant hypophosphatemic rickets (ADHR). Also called: VITAMIN D-RESISTANT RICKETS, AUTOSOMAL DOMINANT; HYPOPHOSPHATEMIA, AUTOSOMAL DOMINANT. Identifiers: Orphanet 89937, MedGen C0342642, MONDO:0008660, OMIM 193100.
Tumoral calcinosis, hyperphosphatemic, familial, 2. Identifiers: MedGen C4693863, MONDO:0060714, OMIM 617993.

Allele frequency attached by ClinVar (database versions not stated): gnomAD 0.00002; TOPMed 0.00002; 1000 Genomes Project 30x 0.00016; 1000 Genomes Project 0.00020.

Submissions (2):

Labcorp Genetics (formerly Invitae), Labcorp
Classification: Uncertain significance. Last evaluated: 2024-03-28. Review status: criteria provided, single submitter. Criteria: Invitae Variant Classification Sherloc (09022015). Collection method: clinical testing. Allele origin: germline.
Comment: This sequence change replaces arginine, which is basic and polar, with cysteine, which is neutral and slightly polar, at codon 5 of the FGF23 protein (p.Arg5Cys). This variant is present in population databases (rs201571021, gnomAD 0.05%). This variant has not been reported in the literature in individuals affected with FGF23-related conditions. Algorithms developed to predict the effect of missense changes on protein structure and function output the following: SIFT: "Not Available"; PolyPhen-2: "Benign"; Align-GVGD: "Not Available". The cysteine amino acid residue is found in multiple mammalian species, which suggests that this missense change does not adversely affect protein function. In summary, the available evidence is currently insufficient to determine the role of this variant in disease. Therefore, it has been classified as a Variant of Uncertain Significance.

Fulgent Genetics
Classification: Uncertain significance for Autosomal dominant hypophosphatemic rickets; Tumoral calcinosis, hyperphosphatemic, familial, 2. Last evaluated: 2024-03-17. Review status: criteria provided, single submitter. Criteria: ACMG Guidelines, 2015. Collection method: clinical testing. Allele origin: germline.

NM_020638.3(FGF23):c.13C>T (p.Arg5Cys)

Gene: FGF23 (fibroblast growth factor 23; minus strand). Cytogenetic location: 12p13.32.
Variant type: single nucleotide variant.
Coding change: c.13C>T on transcript NM_020638.3 (MANE Select); coding-DNA position 13, C replaced by T.
Protein change: p.Arg5Cys; replaces arginine 5 with cysteine.
Molecular consequence: missense variant.
Genome position (GRCh38, 1-based): chr12:4,379,570, G>A on the plus strand (C>T on the coding strand, the complement: FGF23 is on the minus strand). VCF-style: chr12-4379570-G-A. GRCh37 (hg19) VCF-style: chr12-4488736-G-A.
Other names: short protein forms R5C.
Identifiers: ClinVar variation 2740658 (VCV002740658.4), dbSNP rs201571021, ClinGen allele CA6395799.